The following is an entry in ClinVar:

NM_007126.5(VCP):c.-267C>T

Gene: VCP (valosin containing protein; minus strand). Cytogenetic location: 9p13.3.
Variant type: single nucleotide variant.
Coding change: c.-267C>T on transcript NM_007126.5 (MANE Select); 267 bases upstream of the start codon, C replaced by T.
Molecular consequence: 5 prime UTR variant.
Genome position (GRCh38, 1-based): chr9:35,072,620, G>A on the plus strand (C>T on the coding strand, the complement: VCP is on the minus strand). VCF-style: chr9-35072620-G-A. GRCh37 (hg19) VCF-style: chr9-35072617-G-A.
Other names: c.-462C>T (NM_001354927.2); c.-982C>T (NM_001354928.2).
Identifiers: ClinVar variation 366726 (VCV000366726.7), dbSNP rs184152880, ClinGen allele CA10629992.

ClinVar aggregate classification (germline): Benign/Likely benign. Review status: criteria provided, multiple submitters, no conflicts (2 of 4 stars). 3 submissions from 2 submitters: Benign (2); Likely benign (1). Last evaluated 2018-01-13.

Conditions:
Frontotemporal dementia and/or amyotrophic lateral sclerosis 6 (FTDALS6). Also called: VCP-Related Amyotrophic Lateral Sclerosis; VCP-Related Amyotrophic Lateral Sclerosis/Frontotemporal Dementia. Identifiers: Orphanet 275872, Orphanet 803, MedGen C5436279, MONDO:0013501, OMIM 613954.
Inclusion body myopathy with Paget disease of bone and frontotemporal dementia type 1. Also called: MULTISYSTEM PROTEINOPATHY 1; Inclusion body myopathy with early-onset Paget disease with or without frontotemporal dementia 1; Inclusion body myopathy with early-onset Paget disease and frontotemporal dementia 1. Identifiers: MedGen C4551951, MONDO:0008178, OMIM 167320.

Allele frequency attached by ClinVar (database versions not stated): gnomAD exomes 0.00044; 1000 Genomes Project 30x 0.00172; 1000 Genomes Project 0.00200; gnomAD 0.00236 and 0.00252; TOPMed 0.00253.
gnomAD v4.1: 504 of 463,996 alleles (0.11%); highest among the groups gnomAD compares: African/African-American, 0.71%; no homozygotes.

Submissions (3):

Illumina Laboratory Services, Illumina
Classification: Benign for Frontotemporal dementia and/or amyotrophic lateral sclerosis 6. Last evaluated: 2018-01-13. Review status: criteria provided, single submitter. Criteria: ICSL Variant Classification Criteria 13 December 2019. Collection method: clinical testing. Allele origin: germline.
Comment: This variant was observed in the ICSL laboratory as part of a predisposition screen in an ostensibly healthy population. It had not been previously curated by ICSL or reported in the Human Gene Mutation Database (HGMD: prior to June 1st, 2018), and was therefore a candidate for classification through an automated scoring system. Utilizing variant allele frequency, disease prevalence and penetrance estimates, and inheritance mode, an automated score was calculated to assess if this variant is too frequent to cause the disease. Based on the score and internal cut-off values, a variant classified as benign is not then subjected to further curation. The score for this variant resulted in a classification of benign for this disease.

Illumina Laboratory Services, Illumina
Classification: Benign for Inclusion body myopathy with Paget disease of bone and frontotemporal dementia type 1. Last evaluated: 2018-01-13. Review status: criteria provided, single submitter. Criteria: ICSL Variant Classification Criteria 13 December 2019. Collection method: clinical testing. Allele origin: germline.
Comment: the same text as in the submission from Illumina Laboratory Services, Illumina above.

Breakthrough Genomics
Classification: Likely benign. Review status: criteria provided, single submitter. Criteria: ACMG Guidelines, 2015. Collection method: not provided. Allele origin: germline. Inheritance: Autosomal dominant inheritance. Affected: yes.